The following is an entry in ClinVar:

NM_001367624.2(ZNF469):c.6059C>T (p.Ala2020Val)

Gene: ZNF469 (zinc finger protein 469; plus strand). Cytogenetic location: 16q24.2.
Variant type: single nucleotide variant.
Coding change: c.6059C>T on transcript NM_001367624.2 (MANE Select); coding-DNA position 6059, C replaced by T.
Protein change: p.Ala2020Val; replaces alanine 2020 with valine.
Molecular consequence: missense variant.
Genome position (GRCh38, 1-based): chr16:88,433,529, C>T. VCF-style: chr16-88433529-C-T. GRCh37 (hg19) VCF-style: chr16-88499937-C-T.
Other names: short protein forms A2020V.
Identifiers: ClinVar variation 4687155 (VCV004687155.2).

ClinVar aggregate classification (germline): Uncertain significance (1 of 4 stars; one submission).

gnomAD v4.1: 3 of 1,550,400 alleles (0.00019%); highest among the groups gnomAD compares: Non-Finnish European, 0.00026%; no homozygotes.

Submission:

Women's Health and Genetics/Laboratory Corporation of America, LabCorp
Classification: Uncertain significance. Last evaluated: 2026-06-11. Review status: criteria provided, single submitter. Criteria: LabCorp Variant Classification Summary - May 2015. Collection method: clinical testing. Allele origin: germline.
Comment: Variant summary: ZNF469 c.6059C>T (p.Ala2020Val) results in a non-conservative amino acid change in the encoded protein sequence. Algorithms developed to predict the effect of missense changes on protein structure and function are either unavailable or do not agree on the potential impact of this missense change. The variant was absent in 152834 control chromosomes. The available data on variant occurrences in the general population are insufficient to allow any conclusion about variant significance. To our knowledge, no occurrence of c.6059C>T in individuals affected with ZNF469-related conditions and no experimental evidence demonstrating its impact on protein function have been reported. ClinVar contains an entry for this variant (Variation ID: 4687155). Based on the evidence outlined above, the variant was classified as uncertain significance.